The following is an entry in ClinVar:

NC_000002.11:g.(?_179460406)_(179462893_?)del

Gene: TTN (titin; minus strand). Cytogenetic location: 2q31.2.
Variant type: Deletion.
Identifiers: ClinVar variation 3247303 (VCV003247303.1).

ClinVar aggregate classification (germline): Likely pathogenic (1 of 4 stars; one submission).

Conditions:
Autosomal recessive limb-girdle muscular dystrophy type 2J (LGMDR10). Also called: Limb-girdle muscular dystrophy, type 2J; MUSCULAR DYSTROPHY, LIMB-GIRDLE, AUTOSOMAL RECESSIVE 10. Identifiers: Orphanet 140922, MedGen C1837342, MONDO:0012127, OMIM 608807.
Dilated cardiomyopathy 1G (CMD1G). Identifiers: Orphanet 154, MedGen C1858763, MONDO:0011400, OMIM 604145.

Submission:

Labcorp Genetics (formerly Invitae), Labcorp
Classification: Likely pathogenic for Dilated cardiomyopathy 1G; Autosomal recessive limb-girdle muscular dystrophy type 2J. Last evaluated: 2023-02-16. Review status: criteria provided, single submitter. Criteria: Invitae Variant Classification Sherloc (09022015). Collection method: clinical testing. Allele origin: unknown.
Comment: This variant results in the deletion of exons 293-294 and part of exon 295 (c.57112-108_57675delins59) of the TTN gene. It is expected to disrupt RNA splicing and likely results in a truncated or disrupted TTN protein. In summary, the currently available evidence indicates that the variant is pathogenic, but additional data are needed to prove that conclusively. Therefore, this variant has been classified as Likely Pathogenic. This variant is located in the A band of TTN (PMID: 25589632). Truncating variants in this region are significantly overrepresented in patients affected with dilated cardiomyopathy (PMID: 25589632). Truncating variants in this region have also been reported in individuals affected with autosomal recessive centronuclear myopathy (PMID: 23975875). This variant has not been reported in the literature in individuals affected with TTN-related conditions.

Literature cited by the submitters: PubMed 25589632; PubMed 23975875.